The following is an entry in ClinVar:

NM_145239.3(PRRT2):c.565G>A (p.Ala189Thr)

Genes: MVP-DT (MVP divergent transcript; minus strand), PRRT2 (proline rich transmembrane protein 2; plus strand). Cytogenetic location: 16p11.2.
Variant type: single nucleotide variant.
Coding change: c.565G>A on transcript NM_145239.3 (MANE Select); coding-DNA position 565, G replaced by A.
Protein change: p.Ala189Thr; replaces alanine 189 with threonine.
Molecular consequence: missense variant.
Genome position (GRCh38, 1-based): chr16:29,813,619, G>A. VCF-style: chr16-29813619-G-A. GRCh37 (hg19) VCF-style: chr16-29824940-G-A.
Other names: c.565G>A, p.Ala189Thr (NM_001256442.2, NM_001256443.2, NM_001438120.1 and 2 more transcripts); short protein forms A189T.
Identifiers: ClinVar variation 4697890 (VCV004697890.1).

ClinVar aggregate classification (germline): Uncertain significance (1 of 4 stars; one submission).

Conditions:
Episodic kinesigenic dyskinesia (EKD). Also called: Paroxysmal kinesigenic dyskinesia. Identifiers: Orphanet 98809, MedGen C1868682, MONDO:0044202.

Submission:

Labcorp Genetics (formerly Invitae), Labcorp
Classification: Uncertain significance for Episodic kinesigenic dyskinesia. Last evaluated: 2025-02-18. Review status: criteria provided, single submitter. Criteria: Invitae Variant Classification Sherloc (09022015). Collection method: clinical testing. Allele origin: germline.
Comment: This sequence change replaces alanine, which is neutral and non-polar, with threonine, which is neutral and polar, at codon 189 of the PRRT2 protein (p.Ala189Thr). This variant is not present in population databases (gnomAD no frequency). This variant has not been reported in the literature in individuals affected with PRRT2-related conditions. Invitae Evidence Modeling of protein sequence and biophysical properties (such as structural, functional, and spatial information, amino acid conservation, physicochemical variation, residue mobility, and thermodynamic stability) indicates that this missense variant is not expected to disrupt PRRT2 protein function with a negative predictive value of 95%. In summary, the available evidence is currently insufficient to determine the role of this variant in disease. Therefore, it has been classified as a Variant of Uncertain Significance.